The following is an entry in ClinVar:

ClinVar aggregate classification (germline): Likely benign (1 of 4 stars; one submission).

Conditions:
CRIM1-related disorder. Also called: CRIM1-related condition.

gnomAD v4.1: 150 of 1,613,726 alleles (0.0093%); highest among the groups gnomAD compares: East Asian, 0.12%; no homozygotes.

Submission:

PreventionGenetics, part of Exact Sciences
Classification: Likely benign for CRIM1-related condition. Last evaluated: 2025-12-10. Review status: criteria provided, single submitter. Criteria: ACMG Guidelines, 2015. Collection method: clinical testing. Allele origin: germline.
Comment: This variant is classified as likely benign based on ACMG/AMP sequence variant interpretation guidelines (Richards et al. 2015 PMID: 25741868, with internal and published modifications).

NM_016441.3(CRIM1):c.1129G>A (p.Glu377Lys)

Gene: CRIM1 (cysteine rich transmembrane BMP regulator 1). Cytogenetic location: 2p22.2.
Variant type: single nucleotide variant.
Coding change: c.1129G>A on transcript NM_016441.3 (MANE Select); coding-DNA position 1129, G replaced by A.
Protein change: p.Glu377Lys; replaces glutamic acid 377 with lysine.
Molecular consequence: missense variant.
Genome position (GRCh38, 1-based): chr2:36,477,026, G>A. VCF-style: chr2-36477026-G-A. GRCh37 (hg19) VCF-style: chr2-36704169-G-A.
Other names: short protein forms E377K.
Identifiers: ClinVar variation 4980829 (VCV004980829.1).